The following is an entry in ClinVar:

ClinVar aggregate classification (germline): Uncertain significance (1 of 4 stars; one submission).

Allele frequency attached by ClinVar (database versions not stated): gnomAD exomes below 0.00001.

Submission:

Labcorp Genetics (formerly Invitae), Labcorp
Classification: Uncertain significance. Last evaluated: 2025-05-27. Review status: criteria provided, single submitter. Criteria: Invitae Variant Classification Sherloc (09022015). Collection method: clinical testing. Allele origin: germline.
Comment: This sequence change replaces lysine, which is basic and polar, with arginine, which is basic and polar, at codon 174 of the NOG protein (p.Lys174Arg). This variant is not present in population databases (gnomAD no frequency). This variant has not been reported in the literature in individuals affected with NOG-related conditions. ClinVar contains an entry for this variant (Variation ID: 2795160). An algorithm developed to predict the effect of missense changes on protein structure and function (PolyPhen-2) suggests that this variant is likely to be tolerated. In summary, the available evidence is currently insufficient to determine the role of this variant in disease. Therefore, it has been classified as a Variant of Uncertain Significance.

NM_005450.6(NOG):c.521A>G (p.Lys174Arg)

Gene: NOG (noggin; plus strand). Cytogenetic location: 17q22.
Variant type: single nucleotide variant.
Coding change: c.521A>G on transcript NM_005450.6 (MANE Select); coding-DNA position 521, A replaced by G.
Protein change: p.Lys174Arg; replaces lysine 174 with arginine.
Molecular consequence: missense variant.
Genome position (GRCh38, 1-based): chr17:56,594,744, A>G. VCF-style: chr17-56594744-A-G. GRCh37 (hg19) VCF-style: chr17-54672105-A-G.
Other names: short protein forms K174R.
Identifiers: ClinVar variation 2795160 (VCV002795160.3), dbSNP rs2545137833, ClinGen allele CA399966511.
Genomic context (GRCh38, chr17:56,594,744, plus strand): 5'-TCTGCCCCGTGCTGTACGCGTGGAACGACCTGGGCAGCCGCTTTTGGCCGCGCTACGTGA[A>G]GGTGGGCAGCTGCTTCAGTAAGCGCTCGTGCTCCGTGCCCGAGGGCATGGTGTGCAAGCC-3'
Protein context (NP_005441.1, residues 164-184): LGSRFWPRYV[Lys174Arg]VGSCFSKRSC